The following is an entry in ClinVar:

NM_000346.4(SOX9):c.338T>C (p.Met113Thr)

Genes: SOX9 (SRY-box transcription factor 9; plus strand), LOC108021846 (SOX9 promoter region; plus strand). Cytogenetic location: 17q24.3.
Variant type: single nucleotide variant.
Coding change: c.338T>C on transcript NM_000346.4 (MANE Select); coding-DNA position 338, T replaced by C.
Protein change: p.Met113Thr; replaces methionine 113 with threonine.
Molecular consequence: missense variant.
Genome position (GRCh38, 1-based): chr17:72,121,729, T>C. VCF-style: chr17-72121729-T-C. GRCh37 (hg19) VCF-style: chr17-70117870-T-C.
Other names: short protein forms M113T.
Identifiers: ClinVar variation 4855318 (VCV004855318.1).

ClinVar aggregate classification (germline): Likely pathogenic (1 of 4 stars; one submission).

Conditions:
Camptomelic dysplasia (CMPD). Also called: Campomelic Dysplasia; CMPD1/SRA1. Identifiers: Orphanet 140, MedGen C1861922, MONDO:0007251, OMIM 114290.

Submission:

3billion
Classification: Likely pathogenic for Camptomelic dysplasia. Last evaluated: 2026-01-22. Review status: criteria provided, single submitter. Criteria: ACMG Guidelines, 2015. Collection method: clinical testing. Allele origin: germline. Affected: yes.
Comment: The variant is not observed in the gnomAD v4.1.0 dataset. Predicted Consequence/Location: Missense variant In silico tool predictions suggest damaging effect of the variant on gene or gene product [REVEL: 0.98 (>=0.6, sensitivity 0.68 and specificity 0.92); 3Cnet: 0.97 (> 0.75, sensitivity 0.96 and precision 0.92)]. The same nucleotide change resulting in the same amino acid change has been previously reported to be associated with SOX9-related disorder (PMID: 19921652). Different missense changes at the same codon (p.Met113Ile, p.Met113Leu, p.Met113Val) have been reported as pathogenic/likely pathogenic with strong evidence (ClinVar ID: VCV001254813, VCV001514843, VCV001992803 /PMID: 20513132, 32381727, 38702915). Therefore, this variant is classified as Likely pathogenic according to the recommendation of ACMG/AMP guideline.

Literature cited by the submitters: PubMed 20513132; PubMed 19921652.